The following is an entry in ClinVar:

NM_000368.5(TSC1):c.1948G>C (p.Asp650His)

Gene: TSC1 (TSC complex subunit 1; minus strand). Cytogenetic location: 9q34.13.
Variant type: single nucleotide variant.
Coding change: c.1948G>C on transcript NM_000368.5 (MANE Select); coding-DNA position 1948, G replaced by C.
Protein change: p.Asp650His; replaces aspartic acid 650 with histidine.
Molecular consequence: missense variant. On other transcripts: non-coding transcript variant (5).
Genome position (GRCh38, 1-based): chr9:132,905,630, C>G on the plus strand (G>C on the coding strand, the complement: TSC1 is on the minus strand). VCF-style: chr9-132905630-C-G. GRCh37 (hg19) VCF-style: chr9-135781017-C-G.
Other names: c.1945G>C, p.Asp649His (NM_001406603.1, NM_001406604.1, NM_001406608.1 and 6 more transcripts); c.1948G>C, p.Asp650His (NM_001406605.1, NM_001406606.1, NM_001406607.1 and 7 more transcripts); c.1795G>C, p.Asp599His (NM_001406610.1, NM_001162427.2); c.1792G>C, p.Asp598His (NM_001406611.1, NM_001406612.1, NM_001406613.1); c.1585G>C, p.Asp529His (NM_001362177.2, NM_001406614.1, NM_001406615.1 and 5 more transcripts); c.1582G>C, p.Asp528His (NM_001406620.1, NM_001406621.1, NM_001406622.1 and 2 more transcripts); c.997G>C, p.Asp333His (NM_001406626.1); c.994G>C, p.Asp332His (NM_001406627.1, NM_001406628.1); and 1 more; short protein forms D299H, D333H, D529H, D649H, D650H, D598H, D599H, D332H.
Identifiers: ClinVar variation 3811234 (VCV003811234.2).
Genomic context (GRCh38, chr9:132,905,630, plus strand): 5'-CAGTCCCTTACTTGTTCAGCTCCTTGCTGTGCGCGTCTGCTCCCTGCTGTATCAGTCTGT[C>G]CAGCACTTCCATTGGGGAGGTAGAGGGCACACCATCTTCCTCTGTGTTTCCTTTTGCTTT-3'
Protein context (NP_000359.1, residues 640-660): VPSTSPMEVL[Asp650His]RLIQQGADAH

ClinVar aggregate classification (germline): Uncertain significance (1 of 4 stars; one submission).

Conditions:
Hereditary cancer-predisposing syndrome. Also called: Hereditary Cancer Syndrome; Hereditary neoplastic syndrome; Neoplastic Syndromes, Hereditary; Tumor predisposition. Identifiers: Orphanet 140162, MedGen C0027672, MeSH D009386, MONDO:0015356.

Submission:

Ambry Genetics
Classification: Uncertain significance for Hereditary cancer-predisposing syndrome. Last evaluated: 2026-05-08. Review status: criteria provided, single submitter. Criteria: Ambry Variant Classification Scheme 2023. Collection method: clinical testing. Allele origin: germline.
Comment: The p.D650H variant (also known as c.1948G>C), located in coding exon 13 of the TSC1 gene, results from a G to C substitution at nucleotide position 1948. The aspartic acid at codon 650 is replaced by histidine, an amino acid with similar properties. This amino acid position is highly conserved in available vertebrate species. In addition, this alteration is predicted to be deleterious by in silico analysis. Based on the available evidence, the clinical significance of this variant remains unclear.